The following is an entry in ClinVar:

ClinVar aggregate classification (germline): Uncertain significance. Review status: criteria provided, multiple submitters, no conflicts (2 of 4 stars). 5 submissions from 4 submitters: Uncertain significance (3). 2 of the submissions do not count toward it. Last evaluated 2023-11-04.

Conditions:
Retinitis pigmentosa 39 (RP39). Identifiers: Orphanet 791, MedGen C3151138, MONDO:0013436, OMIM 613809.
Usher syndrome type 2A. Also called: RETINAL DISEASE IN USHER SYNDROME TYPE IIA, MODIFIER OF; USHER SYNDROME, TYPE IIA. Identifiers: Orphanet 231178, Orphanet 886, MedGen C1848634, MONDO:0010169, OMIM 276901.

gnomAD v4.1: 7 of 1,613,668 alleles (0.00043%); highest among the groups gnomAD compares: East Asian, 0.0067%; no homozygotes.

Submissions (5):

Genome-Nilou Lab
Classification: Uncertain significance for Retinitis pigmentosa 39. Last evaluated: 2023-11-04. Review status: criteria provided, single submitter. Criteria: ACMG Guidelines, 2015. Collection method: clinical testing. Allele origin: germline. Affected: no.

Genome-Nilou Lab
Classification: Uncertain significance for Usher syndrome type 2A. Last evaluated: 2023-11-04. Review status: criteria provided, single submitter. Criteria: ACMG Guidelines, 2015. Collection method: clinical testing. Allele origin: germline. Affected: no.

Laboratory for Molecular Medicine, Mass General Brigham Personalized Medicine
Classification: Uncertain significance. Last evaluated: 2014-08-11. Review status: criteria provided, single submitter. Criteria: LMM Criteria. Collection method: clinical testing. Allele origin: germline. Observed: 1 variant allele.
Comment: Variant classified as Uncertain Significance - Favor Benign. The Arg2292Cys vari ant in USH2A has not been previously reported in individuals with hearing loss a nd was absent from large population studies. The arginine (Arg) at position 2292 is not conserved in mammals or evolutionary distant species, raising the possib ility that a change at this position may be tolerated. Additional computational prediction tools suggest that the Arg2292Cys variant may not impact the protein, though this information is not predictive enough to rule out pathogenicity. In summary, while the clinical significance of the Arg2292Cys variant is uncertain, these data suggest that is more likely to be benign.

Natera, Inc.
Classification: Uncertain significance for Usher syndrome type 2A. Last evaluated: 2020-03-10. Review status: no assertion criteria provided. Collection method: clinical testing. Allele origin: germline. Not counted in ClinVar's aggregate classification.

Counsyl
Classification: Uncertain significance for Usher syndrome type 2A; Retinitis pigmentosa 39. Last evaluated: 2018-03-16. Review status: no assertion criteria provided. Collection method: clinical testing. Allele origin: unknown. Not counted in ClinVar's aggregate classification.

NM_206933.4(USH2A):c.6874C>T (p.Arg2292Cys)

Gene: USH2A (usherin; minus strand). Cytogenetic location: 1q41.
Variant type: single nucleotide variant.
Coding change: c.6874C>T on transcript NM_206933.4 (MANE Select); coding-DNA position 6874, C replaced by T.
Protein change: p.Arg2292Cys; replaces arginine 2292 with cysteine.
Molecular consequence: missense variant.
Genome position (GRCh38, 1-based): chr1:215,970,708, G>A on the plus strand (C>T on the coding strand, the complement: USH2A is on the minus strand). VCF-style: chr1-215970708-G-A. GRCh37 (hg19) VCF-style: chr1-216144050-G-A.
Other names: short protein forms R2292C.
Identifiers: ClinVar variation 166477 (VCV000166477.8), dbSNP rs727503722, ClinGen allele CA179540.